The following is an entry in ClinVar:

NM_004415.4(DSP):c.3909_3921del (p.Glu1304fs)

Gene: DSP (desmoplakin; plus strand). Cytogenetic location: 6p24.3.
Variant type: Deletion.
Coding change: c.3909_3921del on transcript NM_004415.4 (MANE Select); coding-DNA positions 3909 to 3921, 13 bases deleted (TGAGGACAATGCC).
Protein change: p.Glu1304fs; shifts the reading frame from glutamic acid 1304.
Molecular consequence: frameshift variant. On other transcripts: intron variant (1).
Genome position (GRCh38, 1-based): chr6:7,580,099-7,580,111, TGAGGACAATGCC deleted; deleting any 13 consecutive bases within chr6:7,580,098-7,580,111 gives the same sequence; the c. name uses the placement nearest the transcript's 3' end. VCF-style (leftmost placement, unchanged base first): chr6-7580097-TCTGAGGACAATGC-T. GRCh37 (hg19) VCF-style: chr6-7580330-TCTGAGGACAATGC-T.
Other names: c.3909_3921del, p.Glu1304fs (NM_001319034.2); c.3582+327_3582+339del (NM_001008844.3); c.3909_3921del13 (NM_004415.2); short protein forms E1304fs.
Identifiers: ClinVar variation 1736077 (VCV001736077.5), dbSNP rs2533926569, ClinGen allele CA2580075409.

ClinVar aggregate classification (germline): Pathogenic. Review status: criteria provided, multiple submitters, no conflicts (2 of 4 stars). 2 submissions from 2 submitters: Pathogenic (2). Last evaluated 2025-05-22.

Conditions:
Arrhythmogenic cardiomyopathy with wooly hair and keratoderma. Also called: Dilated cardiomyopathy with woolly hair and keratoderma; PALMOPLANTAR KERATODERMA WITH LEFT VENTRICULAR CARDIOMYOPATHY AND WOOLLY HAIR; Carvajal syndrome; Arrhythmogenic cardiomyopathy with woolly hair and keratoderma. Identifiers: Orphanet 65282, MedGen C1854063, MONDO:0011581, OMIM 605676.
Arrhythmogenic right ventricular dysplasia 8 (ARVD8). Also called: Arrhythmogenic Right Ventricular Dysplasia/Cardiomyopathy 8; ARRHYTHMOGENIC RIGHT VENTRICULAR DYSPLASIA, FAMILIAL, 8; ARRHYTHMOGENIC RIGHT VENTRICULAR CARDIOMYOPATHY 8. Identifiers: MedGen C1843896, MONDO:0011831, OMIM 607450.
Cardiovascular phenotype. Identifiers: MedGen CN230736.

Submissions (2):

Labcorp Genetics (formerly Invitae), Labcorp
Classification: Pathogenic for Arrhythmogenic cardiomyopathy with wooly hair and keratoderma; Arrhythmogenic right ventricular dysplasia 8. Last evaluated: 2025-05-22. Review status: criteria provided, single submitter. Criteria: Invitae Variant Classification Sherloc (09022015). Collection method: clinical testing. Allele origin: germline.
Comment: This sequence change creates a premature translational stop signal (p.Glu1304Glyfs*41) in the DSP gene. It is expected to result in an absent or disrupted protein product. Loss-of-function variants in DSP are known to be pathogenic (PMID: 20716751, 24503780, 25227139). This variant is not present in population databases (gnomAD no frequency). This variant has not been reported in the literature in individuals affected with DSP-related conditions. ClinVar contains an entry for this variant (Variation ID: 1736077). For these reasons, this variant has been classified as Pathogenic.

Ambry Genetics
Classification: Pathogenic for Cardiovascular phenotype. Last evaluated: 2021-10-11. Review status: criteria provided, single submitter. Criteria: Ambry Variant Classification Scheme 2023. Collection method: clinical testing. Allele origin: germline.
Comment: The c.3909_3921del13 pathogenic mutation, located in coding exon 23 of the DSP gene, results from a deletion of 13 nucleotides at nucleotide positions 3909 to 3921, causing a translational frameshift with a predicted alternate stop codon (p.E1304Gfs*41). Alterations in DSP that result in haploinsufficiency or protein truncation have been reported in patients with arrhythmogenic right ventricular cardiomyopathy (ARVC) and dilated cardiomyopathy (DCM) (Fressart V et al. Europace. 2010;12(6):861-8; Elliott P et al. Circ Cardiovasc Genet. 2010;3(4):314-22; Quarta G et al. Circulation. 2011;123(23):2701-9; Garcia-Pavia P et al. Heart. 2011;97(21):1744-52; Rasmussen TB et al. Clin Genet. 2013;84(1):20-30; Pugh TJ et al. Genet Med. 2014;16(8):601-8). This alteration is expected to result in loss of function by premature protein truncation or nonsense-mediated mRNA decay. As such, this alteration is interpreted as a disease-causing mutation.

Literature cited by the submitters: PubMed 20716751 (cited by Labcorp Genetics (formerly Invitae), Labcorp); PubMed 24503780 (cited by Labcorp Genetics (formerly Invitae), Labcorp); PubMed 25227139 (cited by Labcorp Genetics (formerly Invitae), Labcorp).